The following is an entry in ClinVar:

ClinVar aggregate classification (germline): Benign/Likely benign. Review status: criteria provided, multiple submitters, no conflicts (2 of 4 stars). 2 submissions from 2 submitters: Benign (1); Likely benign (1). Last evaluated 2026-02-01.

Allele frequency attached by ClinVar (database versions not stated): gnomAD 0.00002; gnomAD exomes 0.00002 and 0.00005; TOPMed 0.00002; ExAC 0.00003; ESP Exome Variant Server 0.00008.
gnomAD v4.1: 72 of 1,612,770 alleles (0.0045%); highest among the groups gnomAD compares: Non-Finnish European, 0.0054%; no homozygotes.

Submissions (2):

Labcorp Genetics (formerly Invitae), Labcorp
Classification: Likely benign. Last evaluated: 2026-02-01. Review status: criteria provided, single submitter. Criteria: Invitae Variant Classification Sherloc (09022015). Collection method: clinical testing. Allele origin: germline.

GeneDx
Classification: Benign. Last evaluated: 2014-05-02. Review status: criteria provided, single submitter. Criteria: GeneDx Variant Classification (06012015). Collection method: clinical testing. Allele origin: germline. Affected: yes.
Comment: This variant is considered likely benign or benign based on one or more of the following criteria: it is a conservative change, it occurs at a poorly conserved position in the protein, it is predicted to be benign by multiple in silico algorithms, and/or has population frequency not consistent with disease.

NM_020247.5(COQ8A):c.731-9C>T

Gene: COQ8A (coenzyme Q8A; plus strand). Cytogenetic location: 1q42.13.
Variant type: single nucleotide variant.
Coding change: c.731-9C>T on transcript NM_020247.5 (MANE Select); 9 bases into the intron before coding-DNA position 731, C replaced by T.
Molecular consequence: intron variant.
Genome position (GRCh38, 1-based): chr1:226,982,018, C>T. VCF-style: chr1-226982018-C-T. GRCh37 (hg19) VCF-style: chr1-227169719-C-T.
Identifiers: ClinVar variation 136300 (VCV000136300.5), dbSNP rs367603340, ClinGen allele CA289306.